The following is an entry in ClinVar:

ClinVar aggregate classification (germline): Pathogenic (1 of 4 stars; one submission).

Submission:

GeneDx
Classification: Pathogenic. Last evaluated: 2018-11-25. Review status: criteria provided, single submitter. Criteria: GeneDx Variant Classification (06012015). Collection method: clinical testing. Allele origin: germline. Affected: yes.
Comment: The c.2064delA variant in the EP300 gene has not been reported previously as a pathogenic variant nor as a benign variant, to our knowledge. The c.2064delA variant causes a frameshift starting with codon Proline 689, changes this amino acid to a Leucine residue, and creates a premature Stop codon at position 5 of the new reading frame, denoted p.Pro689LeufsX5. This variant is predicted to cause loss of normal protein function either through protein truncation or nonsense-mediated mRNA decay. The c.2064delA variant is not observed in large population cohorts (Lek et al., 2016). We interpret c.2064delA as a pathogenic variant.

NM_001429.4(EP300):c.2064del (p.Pro689fs)

Gene: EP300 (E1A binding protein p300; plus strand). Cytogenetic location: 22q13.2.
Variant type: Deletion.
Coding change: c.2064del on transcript NM_001429.4 (MANE Select); coding-DNA position 2064, one base deleted (A; older notation c.2064delA).
Protein change: p.Pro689fs; shifts the reading frame from proline 689.
Molecular consequence: frameshift variant. On other transcripts: intron variant (1).
Genome position (GRCh38, 1-based): chr22:41,146,749, A deleted. VCF-style (leftmost placement, unchanged base first): chr22-41146748-TA-T. GRCh37 (hg19) VCF-style: chr22-41542752-TA-T.
Other names: c.2054-1088del (NM_001362843.2); short protein forms P689fs.
Identifiers: ClinVar variation 817316 (VCV000817316.1), dbSNP rs1601617065, ClinGen allele CA915951499.